The following is an entry in ClinVar:

ClinVar aggregate classification (germline): Uncertain significance (1 of 4 stars; one submission).

Allele frequency attached by ClinVar (database versions not stated): gnomAD exomes below 0.00001.
gnomAD v4.1: 1 of 1,614,038 alleles (0.000062%); no homozygotes.

Submission:

Labcorp Genetics (formerly Invitae), Labcorp
Classification: Uncertain significance. Last evaluated: 2021-12-15. Review status: criteria provided, single submitter. Criteria: Invitae Variant Classification Sherloc (09022015). Collection method: clinical testing. Allele origin: germline.
Comment: This sequence change replaces proline, which is neutral and non-polar, with threonine, which is neutral and polar, at codon 544 of the ADAMTSL4 protein (p.Pro544Thr). This variant is present in population databases (no rsID available, gnomAD 0.0009%). This variant has not been reported in the literature in individuals affected with ADAMTSL4-related conditions. Algorithms developed to predict the effect of missense changes on protein structure and function (SIFT, PolyPhen-2, Align-GVGD) all suggest that this variant is likely to be disruptive. In summary, the available evidence is currently insufficient to determine the role of this variant in disease. Therefore, it has been classified as a Variant of Uncertain Significance.

NM_019032.6(ADAMTSL4):c.1630C>A (p.Pro544Thr)

Genes: ADAMTSL4 (ADAMTS like 4; plus strand), ADAMTSL4-AS2 (ADAMTSL4 antisense RNA 2; minus strand). Cytogenetic location: 1q21.2.
Variant type: single nucleotide variant.
Coding change: c.1630C>A on transcript NM_019032.6 (MANE Select); coding-DNA position 1630, C replaced by A.
Protein change: p.Pro544Thr; replaces proline 544 with threonine.
Molecular consequence: missense variant.
Genome position (GRCh38, 1-based): chr1:150,556,674, C>A. VCF-style: chr1-150556674-C-A. GRCh37 (hg19) VCF-style: chr1-150529150-C-A.
Other names: c.1699C>A, p.Pro567Thr (NM_001288607.2, NM_001288608.2); c.1630C>A, p.Pro544Thr (NM_001378596.1, NM_025008.5); short protein forms P544T, P567T.
Identifiers: ClinVar variation 1418210 (VCV001418210.3), dbSNP rs1359090103, ClinGen allele CA342312247.